The following is an entry in ClinVar:

NM_004655.4(AXIN2):c.2028C>T (p.Ala676=)

Gene: AXIN2 (axin 2; minus strand). Cytogenetic location: 17q24.1.
Variant type: single nucleotide variant.
Coding change: c.2028C>T on transcript NM_004655.4 (MANE Select); coding-DNA position 2028, C replaced by T.
Protein change: p.Ala676=; no amino-acid change (alanine 676 retained).
Molecular consequence: synonymous variant.
Genome position (GRCh38, 1-based): chr17:65,536,433, G>A on the plus strand (C>T on the coding strand, the complement: AXIN2 is on the minus strand). VCF-style: chr17-65536433-G-A. GRCh37 (hg19) VCF-style: chr17-63532551-G-A.
Other names: c.1833C>T, p.Ala611= (NM_001363813.1).
Identifiers: ClinVar variation 755181 (VCV000755181.14), dbSNP rs1598096818, ClinGen allele CA501690943.

ClinVar aggregate classification (germline): Benign/Likely benign. Review status: criteria provided, multiple submitters, no conflicts (2 of 4 stars). 3 submissions from 3 submitters: Benign (1); Likely benign (2). Last evaluated 2025-05-21.

Conditions:
Hereditary cancer-predisposing syndrome. Also called: Hereditary Cancer Syndrome; Hereditary neoplastic syndrome; Neoplastic Syndromes, Hereditary; Tumor predisposition. Identifiers: Orphanet 140162, MedGen C0027672, MeSH D009386, MONDO:0015356.
Oligodontia-cancer predisposition syndrome. Also called: TOOTH AGENESIS-COLORECTAL CANCER SYNDROME. Identifiers: Orphanet 300576, MedGen C1837750, MONDO:0012075, OMIM 608615. Disease mechanism: loss of function.

Allele frequency attached by ClinVar (database versions not stated): TOPMed below 0.00001.

Submissions (3):

Labcorp Genetics (formerly Invitae), Labcorp
Classification: Likely benign for Oligodontia-cancer predisposition syndrome. Last evaluated: 2025-05-21. Review status: criteria provided, single submitter. Criteria: Invitae Variant Classification Sherloc (09022015). Collection method: clinical testing. Allele origin: germline.

Myriad Genetics, Inc.
Classification: Benign for Oligodontia-cancer predisposition syndrome. Last evaluated: 2024-07-09. Review status: criteria provided, single submitter. Criteria: Myriad Autosomal Dominant, Autosomal Recessive and X-Linked Classification Criteria (2023). Collection method: clinical testing. Allele origin: unknown.
Comment: This variant is considered benign. This variant is a silent/synonymous amino acid change and it is not expected to impact splicing.

Ambry Genetics
Classification: Likely benign for Hereditary cancer-predisposing syndrome. Last evaluated: 2022-04-24. Review status: criteria provided, single submitter. Criteria: Ambry Variant Classification Scheme 2023. Collection method: clinical testing. Allele origin: germline.